The following is an entry in ClinVar:

ClinVar aggregate classification (germline): Uncertain significance. Review status: criteria provided, multiple submitters, no conflicts (2 of 4 stars). 2 submissions from 2 submitters: Uncertain significance (2). Last evaluated 2022-06-03.

Conditions:
Inborn genetic diseases. Identifiers: MedGen C0950123, MeSH D030342.
Congenital bile acid synthesis defect 2 (CBAS2). Also called: CHOLESTASIS WITH DELTA(4)-3-OXOSTEROID 5-BETA-REDUCTASE DEFICIENCY. Identifiers: Orphanet 79303, MedGen C1856127, MONDO:0009339, OMIM 235555.

Allele frequency attached by ClinVar (database versions not stated): gnomAD exomes below 0.00001; TOPMed below 0.00001; gnomAD 0.00001.
gnomAD v4.1: 3 of 1,614,126 alleles (0.00019%); highest among the groups gnomAD compares: African/African-American, 0.0013%; no homozygotes.

Submissions (2):

Ambry Genetics
Classification: Uncertain significance for Inborn genetic diseases. Last evaluated: 2022-06-03. Review status: criteria provided, single submitter. Criteria: Ambry Variant Classification Scheme 2023. Collection method: clinical testing. Allele origin: germline.

Baylor Genetics
Classification: Uncertain significance for Congenital bile acid synthesis defect 2. Last evaluated: 2020-06-03. Review status: criteria provided, single submitter. Criteria: ACMG Guidelines, 2015. Collection method: clinical testing. Allele origin: unknown. Affected: yes.
Comment: This variant was determined to be of uncertain significance according to ACMG Guidelines, 2015 [PMID:25741868].

NM_005989.4(AKR1D1):c.647T>C (p.Ile216Thr)

Gene: AKR1D1 (aldo-keto reductase family 1 member D1; plus strand). Cytogenetic location: 7q33.
Variant type: single nucleotide variant.
Coding change: c.647T>C on transcript NM_005989.4 (MANE Select); coding-DNA position 647, T replaced by C.
Protein change: p.Ile216Thr; replaces isoleucine 216 with threonine.
Molecular consequence: missense variant.
Genome position (GRCh38, 1-based): chr7:138,106,675, T>C. VCF-style: chr7-138106675-T-C. GRCh37 (hg19) VCF-style: chr7-137791421-T-C.
Other names: c.524T>C, p.Ile175Thr (NM_001190906.2); c.647T>C, p.Ile216Thr (NM_001190907.2); short protein forms I216T, I175T.
Identifiers: ClinVar variation 1030986 (VCV001030986.3), dbSNP rs1794440472, ClinGen allele CA369362196.